The following is an entry in ClinVar:

ClinVar aggregate classification (germline): Uncertain significance (1 of 4 stars; one submission).

Submission:

Labcorp Genetics (formerly Invitae), Labcorp
Classification: Uncertain significance. Last evaluated: 2022-01-13. Review status: criteria provided, single submitter. Criteria: Invitae Variant Classification Sherloc (09022015). Collection method: clinical testing. Allele origin: germline.
Comment: In summary, the available evidence is currently insufficient to determine the role of this variant in disease. Therefore, it has been classified as a Variant of Uncertain Significance. Algorithms developed to predict the effect of missense changes on protein structure and function output the following: SIFT: "Tolerated"; PolyPhen-2: "Benign"; Align-GVGD: "Class C0". The threonine amino acid residue is found in multiple mammalian species, which suggests that this missense change does not adversely affect protein function. ClinVar contains an entry for this variant (Variation ID: 1024678). This variant has not been reported in the literature in individuals affected with DTHD1-related conditions. This variant is not present in population databases (gnomAD no frequency). This sequence change replaces methionine, which is neutral and non-polar, with threonine, which is neutral and polar, at codon 338 of the DTHD1 protein (p.Met338Thr).

NM_001170700.3(DTHD1):c.1883T>C (p.Met628Thr)

Gene: DTHD1 (death domain containing 1; plus strand). Cytogenetic location: 4p14.
Variant type: single nucleotide variant.
Coding change: c.1883T>C on transcript NM_001170700.3 (MANE Select); coding-DNA position 1883, T replaced by C.
Protein change: p.Met628Thr; replaces methionine 628 with threonine.
Molecular consequence: missense variant. On other transcripts: non-coding transcript variant (2).
Genome position (GRCh38, 1-based): chr4:36,308,281, T>C. VCF-style: chr4-36308281-T-C. GRCh37 (hg19) VCF-style: chr4-36309903-T-C.
Other names: c.1013T>C, p.Met338Thr (NM_001136536.5); c.950T>C, p.Met317Thr (NM_001378435.1); short protein forms M317T, M338T, M628T.
Identifiers: ClinVar variation 1024678 (VCV001024678.8), dbSNP rs1757174259, ClinGen allele CA356680824.